The following is an entry in ClinVar:

ClinVar aggregate classification (germline): Uncertain significance (1 of 4 stars; one submission).

Conditions:
Neurodevelopmental disorder with seizures and brain atrophy. Identifiers: MedGen C5436732, MONDO:0033658, OMIM 619072.

gnomAD v4.1: 8 of 1,594,078 alleles (0.0005%); highest among the groups gnomAD compares: Admixed American, 0.0054%; no homozygotes.

Submission:

OLLIN Analises Genomicas, OLLIN
Classification: Uncertain significance for Neurodevelopmental disorder with seizures and brain atrophy. Last evaluated: 2026-08-06. Review status: criteria provided, single submitter. Criteria: ACMG Guidelines 2015 PMID 25741868. Collection method: clinical testing. Allele origin: germline.
Comment: This missense variant, located in exon 18 (of 19), has been observed in gnomAD with an allele frequency of 0.000502%, but has not been reported in ClinVar or identified in the literature. In silico analysis predicts that this variant has a tolerated effect. According to the currently available evidence, this variant has been classified as uncertain significance (PM2_P, BP4_M).

NM_001013839.4(EXOC7):c.1936G>A (p.Gly646Arg)

Gene: EXOC7 (exocyst complex component 7; minus strand). Cytogenetic location: 17q25.1.
Variant type: single nucleotide variant.
Coding change: c.1936G>A on transcript NM_001013839.4 (MANE Select); coding-DNA position 1936, G replaced by A.
Protein change: p.Gly646Arg; replaces glycine 646 with arginine.
Molecular consequence: missense variant.
Genome position (GRCh38, 1-based): chr17:76,084,022, C>T on the plus strand (G>A on the coding strand, the complement: EXOC7 is on the minus strand). VCF-style: chr17-76084022-C-T. GRCh37 (hg19) VCF-style: chr17-74080103-C-T.
Other names: c.2089G>A, p.Gly697Arg (NM_001145297.4); c.1912G>A, p.Gly638Arg (NM_001145298.4); c.2005G>A, p.Gly669Arg (NM_001145299.4); c.1852G>A, p.Gly618Arg (NM_001282313.2); c.1975G>A, p.Gly659Arg (NM_001375974.1); c.1882G>A, p.Gly628Arg (NM_001375975.1); c.2044G>A, p.Gly682Arg (NM_001375976.1); c.1843G>A, p.Gly615Arg (NM_015219.5); short protein forms G618R, G628R, G646R, G682R, G615R, G659R, G638R, G669R.
Identifiers: ClinVar variation 5002726 (VCV005002726.1).